The following is an entry in ClinVar:

NM_013275.6(ANKRD11):c.7842G>C (p.Ala2614=)

Gene: ANKRD11 (ankyrin repeat domain 11; minus strand). Cytogenetic location: 16q24.3.
Variant type: single nucleotide variant.
Coding change: c.7842G>C on transcript NM_013275.6 (MANE Select); coding-DNA position 7842, G replaced by C.
Protein change: p.Ala2614=; no amino-acid change (alanine 2614 retained).
Molecular consequence: synonymous variant.
Genome position (GRCh38, 1-based): chr16:89,268,628, C>G on the plus strand (G>C on the coding strand, the complement: ANKRD11 is on the minus strand). VCF-style: chr16-89268628-C-G. GRCh37 (hg19) VCF-style: chr16-89335036-C-G.
Other names: c.7842G>C, p.Ala2614= (NM_001256182.2, NM_001256183.2).
Identifiers: ClinVar variation 4874909 (VCV004874909.2).

ClinVar aggregate classification (germline): Likely benign (1 of 4 stars; one submission).

gnomAD v4.1: 1 of 1,571,114 alleles (0.000064%); highest among the groups gnomAD compares: Middle Eastern, 0.017%; no homozygotes.

Submission:

CeGaT Center for Human Genetics Tuebingen
Classification: Likely benign. Last evaluated: 2026-05-01. Review status: criteria provided, single submitter. Criteria: CeGaT Center For Human Genetics Tuebingen Variant Classification Criteria Version 2. Collection method: clinical testing. Allele origin: germline. Affected: yes. Observed: 1 variant allele.
Comment: ANKRD11: BP4, BP7